The following is an entry in ClinVar:

NM_002485.5(NBN):c.277T>C (p.Ser93Pro)

Gene: NBN (nibrin; minus strand). Cytogenetic location: 8q21.3.
Variant type: single nucleotide variant.
Coding change: c.277T>C on transcript NM_002485.5 (MANE Select); coding-DNA position 277, T replaced by C.
Protein change: p.Ser93Pro; replaces serine 93 with proline.
Molecular consequence: missense variant.
Genome position (GRCh38, 1-based): chr8:89,981,418, A>G on the plus strand (T>C on the coding strand, the complement: NBN is on the minus strand). VCF-style: chr8-89981418-A-G. GRCh37 (hg19) VCF-style: chr8-90993646-A-G.
Other names: c.31T>C, p.Ser11Pro (NM_001024688.3); short protein forms S93P, S11P.
Identifiers: ClinVar variation 1795917 (VCV001795917.2), dbSNP rs1586108601, ClinGen allele CA371662422.

ClinVar aggregate classification (germline): Uncertain significance (1 of 4 stars; one submission).

Conditions:
Hereditary cancer-predisposing syndrome. Also called: Tumor predisposition; Hereditary Cancer Syndrome; Neoplastic Syndromes, Hereditary; Hereditary neoplastic syndrome. Identifiers: Orphanet 140162, MedGen C0027672, MeSH D009386, MONDO:0015356.

Submission:

Ambry Genetics
Classification: Uncertain significance for Hereditary cancer-predisposing syndrome. Last evaluated: 2022-09-10. Review status: criteria provided, single submitter. Criteria: Ambry Variant Classification Scheme 2023. Collection method: clinical testing. Allele origin: germline.
Comment: The p.S93P variant (also known as c.277T>C), located in coding exon 3 of the NBN gene, results from a T to C substitution at nucleotide position 277. The serine at codon 93 is replaced by proline, an amino acid with similar properties. This amino acid position is conserved. In addition, this alteration is predicted to be tolerated by in silico analysis. Since supporting evidence is limited at this time, the clinical significance of this alteration remains unclear.